The following is an entry in ClinVar:

ClinVar aggregate classification (germline): Uncertain significance (1 of 4 stars; one submission).

Conditions:
Neonatal-onset encephalopathy with rigidity and seizures. Also called: Lethal neonatal spasticity-epileptic encephalopathy syndrome. Identifiers: Orphanet 435845, MedGen C3281029, MONDO:0013784, OMIM 614498.

Allele frequency attached by ClinVar (database versions not stated): gnomAD exomes below 0.00001; TOPMed below 0.00001.
gnomAD v4.1: 2 of 1,598,378 alleles (0.00013%); highest among the groups gnomAD compares: South Asian, 0.0011%; no homozygotes.

Submission:

Labcorp Genetics (formerly Invitae), Labcorp
Classification: Uncertain significance for Neonatal-onset encephalopathy with rigidity and seizures. Last evaluated: 2023-07-17. Review status: criteria provided, single submitter. Criteria: Invitae Variant Classification Sherloc (09022015). Collection method: clinical testing. Allele origin: germline.
Comment: This sequence change replaces methionine, which is neutral and non-polar, with threonine, which is neutral and polar, at codon 613 of the BRAT1 protein (p.Met613Thr). The frequency data for this variant in the population databases is considered unreliable, as metrics indicate poor data quality at this position in the gnomAD database. This variant has not been reported in the literature in individuals affected with BRAT1-related conditions. ClinVar contains an entry for this variant (Variation ID: 1383840). Advanced modeling of protein sequence and biophysical properties (such as structural, functional, and spatial information, amino acid conservation, physicochemical variation, residue mobility, and thermodynamic stability) has been performed at Invitae for this missense variant, however the output from this modeling did not meet the statistical confidence thresholds required to predict the impact of this variant on BRAT1 protein function. In summary, the available evidence is currently insufficient to determine the role of this variant in disease. Therefore, it has been classified as a Variant of Uncertain Significance.

NM_152743.4(BRAT1):c.1838T>C (p.Met613Thr)

Gene: BRAT1 (BRCA1 associated ATM activator 1; minus strand). Cytogenetic location: 7p22.3.
Variant type: single nucleotide variant.
Coding change: c.1838T>C on transcript NM_152743.4 (MANE Select); coding-DNA position 1838, T replaced by C.
Protein change: p.Met613Thr; replaces methionine 613 with threonine.
Molecular consequence: missense variant. On other transcripts: non-coding transcript variant (1).
Genome position (GRCh38, 1-based): chr7:2,538,697, A>G on the plus strand (T>C on the coding strand, the complement: BRAT1 is on the minus strand). VCF-style: chr7-2538697-A-G. GRCh37 (hg19) VCF-style: chr7-2578331-A-G.
Other names: c.2018T>C, p.Met673Thr (NM_001350626.2); c.1313T>C, p.Met438Thr (NM_001350627.2); short protein forms M673T, M438T, M613T.
Identifiers: ClinVar variation 1383840 (VCV001383840.6), dbSNP rs1195720463, ClinGen allele CA366625524.